The following is an entry in ClinVar:

NM_006361.6(HOXB13):c.196_201delinsAAGCAATGCTG (p.Cys66fs)

Gene: HOXB13 (homeobox B13; minus strand). Cytogenetic location: 17q21.32.
Variant type: Indel.
Coding change: c.196_201delinsAAGCAATGCTG on transcript NM_006361.6 (MANE Select); coding-DNA positions 196 to 201, TGCCCT replaced by AAGCAATGCTG.
Protein change: p.Cys66fs; shifts the reading frame from cysteine 66.
Molecular consequence: frameshift variant.
Genome position (GRCh38, 1-based): chr17:48,728,393-48,728,398, AGGGCA replaced by CAGCATTGCTT on the plus strand (TGCCCT replaced by AAGCAATGCTG on the coding strand, the reverse complement: HOXB13 is on the minus strand). VCF-style: chr17-48728393-AGGGCA-CAGCATTGCTT. GRCh37 (hg19) VCF-style: chr17-46805755-AGGGCA-CAGCATTGCTT.
Other names: short protein forms C66fs.
Identifiers: ClinVar variation 3858423 (VCV003858423.1).
Genomic context (GRCh38, chr17:48,728,393, plus strand): 5'-GTACCCGCCTCCAAAGTAACCATAAGGCACGGGAGCTGGGGACGTCCCCTGGGGCACCCC[AGGGCA>CAGCATTGCTT]TGGGTGGCATTGCTTTGGCGGCTCCGCCGAGCCTGGCAGATCCAAGGGGGCATAGTTGAC-3'

ClinVar aggregate classification (germline): Uncertain significance (1 of 4 stars; one submission).

Conditions:
Hereditary cancer-predisposing syndrome. Also called: Hereditary neoplastic syndrome; Neoplastic Syndromes, Hereditary; Tumor predisposition; Hereditary Cancer Syndrome. Identifiers: Orphanet 140162, MedGen C0027672, MeSH D009386, MONDO:0015356.

Submission:

Ambry Genetics
Classification: Uncertain significance for Hereditary cancer-predisposing syndrome. Last evaluated: 2024-12-30. Review status: criteria provided, single submitter. Criteria: Ambry Variant Classification Scheme 2023. Collection method: clinical testing. Allele origin: germline.
Comment: The c.196_201delTGCCCTins11 variant, located in coding exon 1 of the HOXB13 gene, results from the deletion of 6 nucleotides and insertion of 11 nucleotides causing a translational frameshift with a predicted alternate stop codon (p.C66Kfs*34). This alteration is expected to result in protein truncation or nonsense-mediated mRNA decay. However, loss of function of HOXB13 has not been established as a mechanism of disease. Based on the available evidence, the clinical significance of this alteration remains unclear.